The following is an entry in ClinVar:

ClinVar aggregate classification (germline): Uncertain significance (1 of 4 stars; one submission).

Conditions:
Hereditary hyperekplexia. Identifiers: Orphanet 3197, MedGen C4084968, MONDO:0021022.

Allele frequency attached by ClinVar (database versions not stated): TOPMed 0.00001; ESP Exome Variant Server 0.00008.
gnomAD v4.1: 6 of 1,601,192 alleles (0.00037%); highest among the groups gnomAD compares: Non-Finnish European, 0.00051%; no homozygotes.

Submission:

Labcorp Genetics (formerly Invitae), Labcorp
Classification: Uncertain significance for Hereditary hyperekplexia. Last evaluated: 2022-10-25. Review status: criteria provided, single submitter. Criteria: Invitae Variant Classification Sherloc (09022015). Collection method: clinical testing. Allele origin: germline.
Comment: In summary, the available evidence is currently insufficient to determine the role of this variant in disease. Therefore, it has been classified as a Variant of Uncertain Significance. Advanced modeling of protein sequence and biophysical properties (such as structural, functional, and spatial information, amino acid conservation, physicochemical variation, residue mobility, and thermodynamic stability) performed at Invitae indicates that this missense variant is not expected to disrupt GLRA1 protein function. ClinVar contains an entry for this variant (Variation ID: 954628). This variant has not been reported in the literature in individuals affected with GLRA1-related conditions. This variant is not present in population databases (gnomAD no frequency). This sequence change replaces glutamic acid, which is acidic and polar, with aspartic acid, which is acidic and polar, at codon 13 of the GLRA1 protein (p.Glu13Asp).

NM_000171.4(GLRA1):c.39G>C (p.Glu13Asp)

Gene: GLRA1 (glycine receptor alpha 1; minus strand). Cytogenetic location: 5q33.1.
Variant type: single nucleotide variant.
Coding change: c.39G>C on transcript NM_000171.4 (MANE Select); coding-DNA position 39, G replaced by C.
Protein change: p.Glu13Asp; replaces glutamic acid 13 with aspartic acid.
Molecular consequence: missense variant. On other transcripts: 5 prime UTR variant (1).
Genome position (GRCh38, 1-based): chr5:151,924,511, C>G on the plus strand (G>C on the coding strand, the complement: GLRA1 is on the minus strand). VCF-style: chr5-151924511-C-G. GRCh37 (hg19) VCF-style: chr5-151304072-C-G.
Other names: c.39G>C, p.Glu13Asp (NM_001146040.2); c.-83G>C (NM_001292000.2); short protein forms E13D.
Identifiers: ClinVar variation 954628 (VCV000954628.9), dbSNP rs141704405, ClinGen allele CA3523810.